The following is an entry in ClinVar:

NM_032119.4(ADGRV1):c.7874G>A (p.Arg2625His)

Gene: ADGRV1 (adhesion G protein-coupled receptor V1; plus strand). Cytogenetic location: 5q14.3.
Variant type: single nucleotide variant.
Coding change: c.7874G>A on transcript NM_032119.4 (MANE Select); coding-DNA position 7874, G replaced by A.
Protein change: p.Arg2625His; replaces arginine 2625 with histidine.
Molecular consequence: missense variant. On other transcripts: non-coding transcript variant (1).
Genome position (GRCh38, 1-based): chr5:90,694,630, G>A. VCF-style: chr5-90694630-G-A. GRCh37 (hg19) VCF-style: chr5-89990447-G-A.
Other names: short protein forms R2625H.
Identifiers: ClinVar variation 46381 (VCV000046381.46), dbSNP rs201214794, ClinGen allele CA138228.

ClinVar aggregate classification (germline): Conflicting classifications of pathogenicity. Review status: criteria provided, conflicting classifications (1 of 4 stars). 13 submissions from 13 submitters: Uncertain significance (1); Benign (4); Likely benign (4). 4 of the submissions do not count toward it. Last evaluated 2026-09-01.

Conditions:
Usher syndrome type 2C. Also called: Usher syndrome, type 2B; USHER SYNDROME, TYPE IIC. Identifiers: Orphanet 231178, Orphanet 886, MedGen C2931213, MONDO:0011558, OMIM 605472.

Allele frequency attached by ClinVar (database versions not stated): gnomAD 0.00186 and 0.00187; 1000 Genomes Project 0.00060; 1000 Genomes Project 30x 0.00062; TOPMed 0.00191; ExAC 0.00234; gnomAD exomes 0.00250; ESP Exome Variant Server 0.00226.
gnomAD v4.1: 3,553 of 1,613,486 alleles (0.22%); highest among the groups gnomAD compares: South Asian, 0.27%; 11 homozygotes.

Submissions (13):

CeGaT Center for Human Genetics Tuebingen
Classification: Likely benign. Last evaluated: 2026-09-01. Review status: criteria provided, single submitter. Criteria: CeGaT Center For Human Genetics Tuebingen Variant Classification Criteria Version 2. Collection method: clinical testing. Allele origin: germline. Affected: yes. Observed: 3 variant alleles.
Comment: ADGRV1: BP4, BS2

Labcorp Genetics (formerly Invitae), Labcorp
Classification: Benign. Last evaluated: 2026-01-27. Review status: criteria provided, single submitter. Criteria: Invitae Variant Classification Sherloc (09022015). Collection method: clinical testing. Allele origin: germline.

Athena Diagnostics
Classification: Benign. Last evaluated: 2024-12-26. Review status: criteria provided, single submitter. Criteria: Athena Diagnostics Criteria. Collection method: clinical testing. Allele origin: unknown.
Comment: The frequency of this variant in the general population is higher than would generally be expected for pathogenic variants in this gene. Computational tools predict this amino acid change may be benign.

Blueprint Genetics
Classification: Likely benign. Last evaluated: 2024-11-25. Review status: criteria provided, single submitter. Criteria: ACMG Guidelines, 2015. Collection method: clinical testing. Allele origin: germline.

GeneDx
Classification: Benign. Last evaluated: 2019-02-25. Review status: criteria provided, single submitter. Criteria: GeneDx Variant Classification Process June 2021. Collection method: clinical testing. Allele origin: germline. Affected: yes.

Illumina Laboratory Services, Illumina
Classification: Uncertain significance for Usher syndrome type 2C. Last evaluated: 2018-01-12. Review status: criteria provided, single submitter. Criteria: ICSL Variant Classification Criteria 13 December 2019. Collection method: clinical testing. Allele origin: germline.

Laboratory for Molecular Medicine, Mass General Brigham Personalized Medicine
Classification: Benign. Last evaluated: 2017-12-05. Review status: criteria provided, single submitter. Criteria: LMM Criteria. Collection method: clinical testing. Allele origin: germline. Observed: 14 variant alleles.
Comment: p.Arg2625His in exon 33 of ADGRV1: This variant is not expected to have clinical significance because it has been identified in 3% (300/10076) of Ashkenazi Jewi sh chromosomes including 1 homozygote by the Genome Aggregation Database (gnomAD; dbSNP rs201214794).

Center for Pediatric Genomic Medicine, Children's Mercy Hospital and Clinics
Classification: Likely benign. Last evaluated: 2016-09-15. Review status: criteria provided, single submitter. Criteria: ACMG Guidelines, 2015. Collection method: clinical testing. Allele origin: germline.
ClinVar note: Converted during submission from Likely Benign to Likely benign.

Eurofins Ntd Llc (ga)
Classification: Likely benign. Last evaluated: 2015-02-09. Review status: criteria provided, single submitter. Criteria: EGL Classification Definitions 2015. Collection method: clinical testing. Allele origin: germline. Observed: 1 variant allele, 1 heterozygote.

Clinical Genetics DNA and cytogenetics Diagnostics Lab, Erasmus MC, Erasmus Medical Center
Classification: Likely benign. Review status: no assertion criteria provided. Collection method: clinical testing. Allele origin: germline. Affected: yes. Study: VKGL Data-share Consensus. Not counted in ClinVar's aggregate classification.

Clinical Genetics, Academic Medical Center
Classification: Benign. Review status: no assertion criteria provided. Collection method: clinical testing. Allele origin: germline. Affected: yes. Study: VKGL Data-share Consensus. Not counted in ClinVar's aggregate classification.

Genome Diagnostics Laboratory, University Medical Center Utrecht
Classification: Likely benign. Review status: no assertion criteria provided. Collection method: clinical testing. Allele origin: germline. Affected: yes. Study: VKGL Data-share Consensus. Not counted in ClinVar's aggregate classification.

Laboratory of Diagnostic Genome Analysis, Leiden University Medical Center (LUMC)
Classification: Likely benign. Review status: no assertion criteria provided. Collection method: clinical testing. Allele origin: germline. Affected: yes. Study: VKGL Data-share Consensus. Not counted in ClinVar's aggregate classification.

Literature cited by the submitters: PubMed 36330437 (cited by Athena Diagnostics).